The following is an entry in ClinVar:

ClinVar aggregate classification (germline): Uncertain significance (1 of 4 stars; one submission).

Conditions:
Cardiovascular phenotype. Identifiers: MedGen CN230736.

gnomAD v4.1: 3 of 1,613,900 alleles (0.00019%); highest among the groups gnomAD compares: Admixed American, 0.0033%; no homozygotes.

Submission:

Ambry Genetics
Classification: Uncertain significance for Cardiovascular phenotype. Last evaluated: 2023-03-08. Review status: criteria provided, single submitter. Criteria: Ambry Variant Classification Scheme 2023. Collection method: clinical testing. Allele origin: germline.
Comment: The p.H3523Q variant (also known as c.10569T>G), located in coding exon 16 of the ALMS1 gene, results from a T to G substitution at nucleotide position 10569. The histidine at codon 3523 is replaced by glutamine, an amino acid with highly similar properties. This amino acid position is not well conserved in available vertebrate species. In addition, this alteration is predicted to be tolerated by in silico analysis. Since supporting evidence is limited at this time, the clinical significance of this alteration remains unclear.

NM_001378454.1(ALMS1):c.10566T>G (p.His3522Gln)

Gene: ALMS1 (ALMS1 centrosome and basal body associated protein; plus strand). Cytogenetic location: 2p13.1.
Variant type: single nucleotide variant.
Coding change: c.10566T>G on transcript NM_001378454.1 (MANE Select); coding-DNA position 10566, T replaced by G.
Protein change: p.His3522Gln; replaces histidine 3522 with glutamine.
Molecular consequence: missense variant.
Genome position (GRCh38, 1-based): chr2:73,572,443, T>G. VCF-style: chr2-73572443-T-G. GRCh37 (hg19) VCF-style: chr2-73799570-T-G.
Other names: c.10569T>G, p.His3523Gln (NM_015120.4); short protein forms H3522Q, H3523Q.
Identifiers: ClinVar variation 2449612 (VCV002449612.2), dbSNP rs778554206, ClinGen allele CA1715025.
Genomic context (GRCh38, chr2:73,572,443, plus strand): 5'-AAAGAGTGTTTTCATGAGACATTCTTGGAAAGATTTCTTTCAGCATCATCCAGACAAACA[T>G]AGAGAACACATGTGTCTTCCTCTTCCTTATCAAAACATGGACAAGACTAAGACAGATTAT-3'
Protein context (NP_001365383.1, residues 3512-3532): KDFFQHHPDK[His3522Gln]REHMCLPLPY